The following is an entry in ClinVar:

ClinVar aggregate classification (germline): Uncertain significance (1 of 4 stars; one submission).

Conditions:
Infantile-onset ascending hereditary spastic paralysis (IAHSP). Also called: Infantile-Onset Ascending Hereditary Spastic Paralysis (IAHSP); Autosomal Recessive Juvenile Amyotrophic Lateral Sclerosis. Identifiers: Orphanet 293168, MedGen C2931441, MONDO:0011797, OMIM 607225. Disease mechanism: loss of function.

Allele frequency attached by ClinVar (database versions not stated): TOPMed below 0.00001.

Submission:

Labcorp Genetics (formerly Invitae), Labcorp
Classification: Uncertain significance for Infantile-onset ascending hereditary spastic paralysis. Last evaluated: 2022-07-22. Review status: criteria provided, single submitter. Criteria: Invitae Variant Classification Sherloc (09022015). Collection method: clinical testing. Allele origin: germline.
Comment: This variant has not been reported in the literature in individuals affected with ALS2-related conditions. Algorithms developed to predict the effect of missense changes on protein structure and function output the following: SIFT: "Tolerated"; PolyPhen-2: "Benign"; Align-GVGD: "Class C0". The alanine amino acid residue is found in multiple mammalian species, which suggests that this missense change does not adversely affect protein function. In summary, the available evidence is currently insufficient to determine the role of this variant in disease. Therefore, it has been classified as a Variant of Uncertain Significance. This sequence change replaces threonine, which is neutral and polar, with alanine, which is neutral and non-polar, at codon 303 of the ALS2 protein (p.Thr303Ala). This variant is not present in population databases (gnomAD no frequency).

NM_020919.4(ALS2):c.907A>G (p.Thr303Ala)

Gene: ALS2 (alsin Rho guanine nucleotide exchange factor ALS2; minus strand). Cytogenetic location: 2q33.1.
Variant type: single nucleotide variant.
Coding change: c.907A>G on transcript NM_020919.4 (MANE Select); coding-DNA position 907, A replaced by G.
Protein change: p.Thr303Ala; replaces threonine 303 with alanine.
Molecular consequence: missense variant.
Genome position (GRCh38, 1-based): chr2:201,761,087, T>C on the plus strand (A>G on the coding strand, the complement: ALS2 is on the minus strand). VCF-style: chr2-201761087-T-C. GRCh37 (hg19) VCF-style: chr2-202625810-T-C.
Other names: c.907A>G, p.Thr303Ala (NM_001135745.2, NM_001410975.1); short protein forms T303A.
Identifiers: ClinVar variation 1969738 (VCV001969738.5), dbSNP rs1364702673, ClinGen allele CA350327841.